The following is an entry in ClinVar:

ClinVar aggregate classification (germline): Pathogenic (1 of 4 stars; one submission).

Submission:

Labcorp Genetics (formerly Invitae), Labcorp
Classification: Pathogenic. Last evaluated: 2023-01-16. Review status: criteria provided, single submitter. Criteria: Invitae Variant Classification Sherloc (09022015). Collection method: clinical testing. Allele origin: unknown.
Comment: For these reasons, this variant has been classified as Pathogenic. This variant has not been reported in the literature in individuals affected with RARS2-related conditions. This variant is a gross deletion of the genomic region encompassing exon(s) 1-6 of the RARS2 gene, which includes the initiator codon. This deletion extends beyond the assayed region for this gene and therefore may encompass additional genes. It is expected to result in an absent or disrupted protein product. Loss-of-function variants in RARS2 are known to be pathogenic (PMID: 17847012, 22569581, 26083569).

Literature cited by the submitters: PubMed 17847012; PubMed 22569581; PubMed 26083569.

NC_000006.11:g.(?_88258289)_(88299675_?)del

Gene: RARS2 (arginyl-tRNA synthetase 2, mitochondrial; minus strand). Cytogenetic location: 6q15.
Variant type: Deletion.
Identifiers: ClinVar variation 3246228 (VCV003246228.1).